The following is an entry in ClinVar:

NM_000052.7(ATP7A):c.1947-5A>G

Gene: ATP7A (ATPase copper transporting alpha; plus strand). Cytogenetic location: Xq21.1.
Variant type: single nucleotide variant.
Coding change: c.1947-5A>G on transcript NM_000052.7 (MANE Select); 5 bases into the intron before coding-DNA position 1947, A replaced by G.
Molecular consequence: intron variant.
Genome position (GRCh38, 1-based): chrX:78,011,444, A>G. VCF-style: chrX-78011444-A-G. GRCh37 (hg19) VCF-style: chrX-77266941-A-G.
Other names: c.1947-5A>G (NM_000052.4, NM_001282224.2).
Identifiers: ClinVar variation 665476 (VCV000665476.12), dbSNP rs1557234466, ClinGen allele CA643005188.

ClinVar aggregate classification (germline): Conflicting classifications of pathogenicity. Review status: criteria provided, conflicting classifications (1 of 4 stars). 3 submissions from 3 submitters: Uncertain significance (1); Likely benign (1). 1 of the submissions does not count toward it. Last evaluated 2025-11-25.

Conditions:
Inborn genetic diseases. Identifiers: MedGen C0950123, MeSH D030342.
Cutis laxa, X-linked (OHS). Also called: EDS IX; Occipital horn syndrome. Identifiers: Orphanet 198, MedGen C0268353, MONDO:0010572, OMIM 304150.
X-linked distal spinal muscular atrophy type 3. Also called: ATP7A-Related Distal Motor Neuropathy; NEURONOPATHY, DISTAL HEREDITARY MOTOR, X-LINKED; NEUROPATHY, DISTAL HEREDITARY MOTOR, X-LINKED; SPINAL MUSCULAR ATROPHY, DISTAL, X-LINKED RECESSIVE. Identifiers: Orphanet 139557, MedGen C1845359, MONDO:0010338, OMIM 300489.
Menkes kinky-hair syndrome (MNK). Also called: Classic Menkes Disease; Menkes Disease; Copper transport disease. Identifiers: Orphanet 565, MedGen C0022716, MONDO:0010651, OMIM 309400.

Allele frequency attached by ClinVar (database versions not stated): gnomAD exomes 0.00001.
gnomAD v4.1: 11 of 1,205,495 alleles (0.00091%); highest among the groups gnomAD compares: South Asian, 0.0018%; no homozygotes.

Submissions (3):

Labcorp Genetics (formerly Invitae), Labcorp
Classification: Likely benign for X-linked distal spinal muscular atrophy type 3; Cutis laxa, X-linked; Menkes kinky-hair syndrome. Last evaluated: 2025-11-25. Review status: criteria provided, single submitter. Criteria: Invitae Variant Classification Sherloc (09022015). Collection method: clinical testing. Allele origin: germline.

Ambry Genetics
Classification: Uncertain significance for Inborn genetic diseases. Last evaluated: 2018-02-15. Review status: criteria provided, single submitter. Criteria: Ambry Variant Classification Scheme 2023. Collection method: clinical testing. Allele origin: germline.
Comment: The c.1947-5A>G intronic variant results from an A to G substitution 5 nucleotides upstream from coding exon 8 in the ATP7A gene. This nucleotide position is not well conserved in available vertebrate species. Using the BDGP and ESEfinder splice site prediction tools, this alteration is not predicted to have any significant effect on this splice acceptor site; however, direct evidence is unavailable. Since supporting evidence is limited at this time, the clinical significance of this alteration remains unclear.

Natera, Inc.
Classification: Uncertain significance for Menkes kinky hair syndrome. Last evaluated: 2020-12-01. Review status: no assertion criteria provided. Collection method: clinical testing. Allele origin: germline. Not counted in ClinVar's aggregate classification.